The following is an entry in ClinVar:

ClinVar aggregate classification (germline): Benign/Likely benign. Review status: criteria provided, multiple submitters, no conflicts (2 of 4 stars). 25 submissions from 18 submitters: Benign (15); Likely benign (5). 5 of the submissions do not count toward it. Last evaluated 2026-02-03.

Conditions:
Autosomal recessive limb-girdle muscular dystrophy type 2J (LGMDR10). Also called: Limb-girdle muscular dystrophy, type 2J; MUSCULAR DYSTROPHY, LIMB-GIRDLE, AUTOSOMAL RECESSIVE 10. Identifiers: Orphanet 140922, MedGen C1837342, MONDO:0012127, OMIM 608807.
Dilated cardiomyopathy 1G (CMD1G). Identifiers: Orphanet 154, MedGen C1858763, MONDO:0011400, OMIM 604145.
Cardiomyopathy (CMYO). Also called: Cardiomyopathies. Identifiers: Orphanet 167848, MedGen C0878544, MONDO:0004994, HP:0001638. Inheritance: Various modes of inheritance.
Early-onset myopathy with fatal cardiomyopathy (CMYO5). Also called: Salih Myopathy; CONGENITAL MYOPATHY 5 WITH CARDIOMYOPATHY. Identifiers: Orphanet 289377, MedGen C2673677, MONDO:0012714, OMIM 611705. Disease mechanism: loss of function.
Myopathy, myofibrillar, 9, with early respiratory failure (MFM9). Also called: EDSTROM MYOPATHY; MYOPATHY, PROXIMAL, WITH EARLY RESPIRATORY MUSCLE INVOLVEMENT; Hereditary myopathy with early respiratory failure; Myopathy, distal, with early respiratory failure, autosomal dominant. Identifiers: Orphanet 178464, Orphanet 34521, MedGen C1863599, MONDO:0011362, OMIM 603689.
Tibial muscular dystrophy (TMD). Also called: Udd Distal Myopathy – Tibial Muscular Dystrophy; UDD MYOPATHY; Tibial muscular dystrophy, tardive. Identifiers: Orphanet 609, MedGen C1838244, MONDO:0010870, OMIM 600334.

Allele frequency attached by ClinVar (database versions not stated): gnomAD exomes 0.00377 and 0.00470; 1000 Genomes Project 30x 0.00437; 1000 Genomes Project 0.00459; ExAC 0.00514; gnomAD 0.00240 and 0.00280; TOPMed 0.00209; ESP Exome Variant Server 0.00232.
gnomAD v4.1: 5,981 of 1,613,606 alleles (0.37%); highest among the groups gnomAD compares: South Asian, 1.7%; 37 homozygotes.

Submissions (26):

Labcorp Genetics (formerly Invitae), Labcorp
Classification: Benign for Dilated cardiomyopathy 1G; Autosomal recessive limb-girdle muscular dystrophy type 2J. Last evaluated: 2026-02-03. Review status: criteria provided, single submitter. Criteria: Invitae Variant Classification Sherloc (09022015). Collection method: clinical testing. Allele origin: germline.

Molecular Diagnostic Laboratory for Inherited Cardiovascular Disease, Montreal Heart Institute
Classification: Benign. Last evaluated: 2025-04-09. Review status: criteria provided, single submitter. Criteria: ACMG Guidelines, 2015. Collection method: clinical testing. Allele origin: germline. Affected: no.

Blueprint Genetics
Classification: Likely benign. Last evaluated: 2024-11-22. Review status: criteria provided, single submitter. Criteria: ACMG Guidelines, 2015. Collection method: clinical testing. Allele origin: germline.

Athena Diagnostics
Classification: Benign. Last evaluated: 2024-07-05. Review status: criteria provided, single submitter. Criteria: Athena Diagnostics Criteria. Collection method: clinical testing. Allele origin: unknown.

Genome-Nilou Lab
Classification: Benign for Autosomal recessive limb-girdle muscular dystrophy type 2J. Last evaluated: 2021-09-10. Review status: criteria provided, single submitter. Criteria: ACMG Guidelines, 2015. Collection method: clinical testing. Allele origin: germline. Affected: no.

Genome-Nilou Lab
Classification: Benign for Myopathy, myofibrillar, 9, with early respiratory failure. Last evaluated: 2021-09-10. Review status: criteria provided, single submitter. Criteria: ACMG Guidelines, 2015. Collection method: clinical testing. Allele origin: germline. Affected: no.

Genome-Nilou Lab
Classification: Benign for Early-onset myopathy with fatal cardiomyopathy. Last evaluated: 2021-09-10. Review status: criteria provided, single submitter. Criteria: ACMG Guidelines, 2015. Collection method: clinical testing. Allele origin: germline. Affected: no.

Genome-Nilou Lab
Classification: Benign for Tibial muscular dystrophy. Last evaluated: 2021-09-10. Review status: criteria provided, single submitter. Criteria: ACMG Guidelines, 2015. Collection method: clinical testing. Allele origin: germline. Affected: no.

Women's Health and Genetics/Laboratory Corporation of America, LabCorp
Classification: Benign. Last evaluated: 2020-10-24. Review status: criteria provided, single submitter. Criteria: LabCorp Variant Classification Summary - May 2015. Collection method: clinical testing. Allele origin: germline.

CHEO Genetics Diagnostic Laboratory, Children's Hospital of Eastern Ontario
Classification: Benign for Cardiomyopathy. Last evaluated: 2019-03-15. Review status: criteria provided, single submitter. Criteria: ACMG Guidelines, 2015. Collection method: clinical testing. Allele origin: germline.

Illumina Laboratory Services, Illumina
Classification: Likely benign for Early-onset myopathy with fatal cardiomyopathy. Last evaluated: 2018-01-12. Review status: criteria provided, single submitter. Criteria: ICSL Variant Classification Criteria 13 December 2019. Collection method: clinical testing. Allele origin: germline.
Comment: This variant was observed in the ICSL laboratory as part of a predisposition screen in an ostensibly healthy population. It had not been previously curated by ICSL or reported in the Human Gene Mutation Database (HGMD: prior to June 1st, 2018), and was therefore a candidate for classification through an automated scoring system. Utilizing variant allele frequency, disease prevalence and penetrance estimates, and inheritance mode, an automated score was calculated to assess if this variant is too frequent to cause the disease. Based on the score and internal cut-off values, a variant classified as likely benign is not then subjected to further curation. The score for this variant resulted in a classification of likely benign for this disease.

Illumina Laboratory Services, Illumina
Classification: Benign for Myopathy, myofibrillar, 9, with early respiratory failure. Last evaluated: 2018-01-12. Review status: criteria provided, single submitter. Criteria: ICSL Variant Classification Criteria 13 December 2019. Collection method: clinical testing. Allele origin: germline.
Comment: This variant was observed in the ICSL laboratory as part of a predisposition screen in an ostensibly healthy population. It had not been previously curated by ICSL or reported in the Human Gene Mutation Database (HGMD: prior to June 1st, 2018), and was therefore a candidate for classification through an automated scoring system. Utilizing variant allele frequency, disease prevalence and penetrance estimates, and inheritance mode, an automated score was calculated to assess if this variant is too frequent to cause the disease. Based on the score and internal cut-off values, a variant classified as benign is not then subjected to further curation. The score for this variant resulted in a classification of benign for this disease.

Illumina Laboratory Services, Illumina
Classification: Likely benign for Dilated cardiomyopathy 1G. Last evaluated: 2018-01-12. Review status: criteria provided, single submitter. Criteria: ICSL Variant Classification Criteria 13 December 2019. Collection method: clinical testing. Allele origin: germline.
Comment: the same text as in the submission from Illumina Laboratory Services, Illumina above.

Illumina Laboratory Services, Illumina
Classification: Likely benign for Autosomal recessive limb-girdle muscular dystrophy type 2J. Last evaluated: 2018-01-12. Review status: criteria provided, single submitter. Criteria: ICSL Variant Classification Criteria 13 December 2019. Collection method: clinical testing. Allele origin: germline.
Comment: the same text as in the submission from Illumina Laboratory Services, Illumina above.

Illumina Laboratory Services, Illumina
Classification: Benign for Tibial muscular dystrophy. Last evaluated: 2018-01-12. Review status: criteria provided, single submitter. Criteria: ICSL Variant Classification Criteria 13 December 2019. Collection method: clinical testing. Allele origin: germline.
Comment: the same text as in the submission from Illumina Laboratory Services, Illumina above.

Eurofins Ntd Llc (ga)
Classification: Benign. Last evaluated: 2015-08-26. Review status: criteria provided, single submitter. Criteria: EGL Classification Definitions 2015. Collection method: clinical testing. Allele origin: germline. Observed: 1 variant allele, 1 heterozygote.

Mayo Clinic Laboratories, Mayo Clinic
Classification: Benign. Last evaluated: 2015-03-30. Review status: criteria provided, single submitter. Criteria: ACMG Guidelines, 2015. Collection method: clinical testing. Allele origin: germline. Observed: 20 variant alleles.

GeneDx
Classification: Benign. Last evaluated: 2013-04-26. Review status: criteria provided, single submitter. Criteria: GeneDx Variant Classification (06012015). Collection method: clinical testing. Allele origin: germline. Affected: yes.
Comment: This variant is considered likely benign or benign based on one or more of the following criteria: it is a conservative change, it occurs at a poorly conserved position in the protein, it is predicted to be benign by multiple in silico algorithms, and/or has population frequency not consistent with disease.

Laboratory for Molecular Medicine, Mass General Brigham Personalized Medicine
Classification: Benign. Last evaluated: 2012-04-30. Review status: criteria provided, single submitter. Criteria: LMM Criteria. Collection method: clinical testing. Allele origin: germline. Observed: 15 variant alleles.
Comment: Pro7650Pro in exon 89 of TTN: This variant is not expected to have clinical sign ificance because it does not alter an amino acid residue, is not located within the splice consensus sequence and has been identified in 0.3% (21/6670) of Europ ean American chromosomes from a broad population by the NHLBI Exome Sequencing P roject (dbSNP rs142812510). Pro7650Pro in exo n 89 of TTN (rs142812510; allele frequency = 0.3%, 21/6670) **

Breakthrough Genomics
Classification: Likely benign. Review status: criteria provided, single submitter. Criteria: ACMG Guidelines, 2015. Collection method: not provided. Allele origin: germline. Inheritance: Autosomal recessive inheritance. Affected: yes.

Clinical Genetics DNA and cytogenetics Diagnostics Lab, Erasmus MC, Erasmus Medical Center
Classification: Likely benign. Review status: no assertion criteria provided. Collection method: clinical testing. Allele origin: germline. Affected: yes. Study: VKGL Data-share Consensus. Not counted in ClinVar's aggregate classification.

Clinical Genetics, Academic Medical Center
Classification: Benign. Review status: no assertion criteria provided. Collection method: clinical testing. Allele origin: germline. Affected: yes. Study: VKGL Data-share Consensus. Not counted in ClinVar's aggregate classification.

Diagnostic Laboratory, Department of Genetics, University Medical Center Groningen
Classification: Likely benign. Review status: no assertion criteria provided. Collection method: clinical testing. Allele origin: germline. Affected: yes. Study: VKGL Data-share Consensus. Not counted in ClinVar's aggregate classification.

Dr. Peter K. Rogan Lab, Western University
No classification provided (evidence only). Condition: Ovarian serous cystadenocarcinoma. Review status: no classification provided. Collection method: in vitro. Allele origin: not applicable. Functional consequence: retained intron. Not counted in ClinVar's aggregate classification.

Joint Genome Diagnostic Labs from Nijmegen and Maastricht, Radboudumc and MUMC+
Classification: Benign. Review status: no assertion criteria provided. Collection method: clinical testing. Allele origin: germline. Affected: yes. Study: VKGL Data-share Consensus. Not counted in ClinVar's aggregate classification.

Laboratory of Diagnostic Genome Analysis, Leiden University Medical Center (LUMC)
Classification: Likely benign. Review status: no assertion criteria provided. Collection method: clinical testing. Allele origin: germline. Affected: yes. Study: VKGL Data-share Consensus. Not counted in ClinVar's aggregate classification.

NM_001267550.2(TTN):c.26682G>A (p.Pro8894=)

Gene: TTN (titin; minus strand). Cytogenetic location: 2q31.2.
Variant type: single nucleotide variant.
Coding change: c.26682G>A on transcript NM_001267550.2 (MANE Select); coding-DNA position 26682, G replaced by A.
Protein change: p.Pro8894=; no amino-acid change (proline 8894 retained).
Molecular consequence: synonymous variant. On other transcripts: intron variant (3).
Genome position (GRCh38, 1-based): chr2:178,713,976, C>T on the plus strand (G>A on the coding strand, the complement: TTN is on the minus strand). VCF-style: chr2-178713976-C-T. GRCh37 (hg19) VCF-style: chr2-179578703-C-T.
Other names: p.P7650P:CCG>CCA; p.Pro8577=; c.13282+24106G>A (NM_003319.4); c.13858+24106G>A (NM_133437.4); c.13657+24106G>A (NM_133432.3); c.25731G>A, p.Pro8577= (NM_001256850.1); c.22950G>A, p.Pro7650= (NM_133378.4).
Identifiers: ClinVar variation 46787 (VCV000046787.43), dbSNP rs142812510, ClinGen allele CA283009.